The following is an entry in ClinVar:

NM_000812.4(GABRB1):c.725A>C (p.Asn242Thr)

Gene: GABRB1 (gamma-aminobutyric acid type A receptor subunit beta1; plus strand). Cytogenetic location: 4p12.
Variant type: single nucleotide variant.
Coding change: c.725A>C on transcript NM_000812.4 (MANE Select); coding-DNA position 725, A replaced by C.
Protein change: p.Asn242Thr; replaces asparagine 242 with threonine.
Molecular consequence: missense variant.
Genome position (GRCh38, 1-based): chr4:47,403,601, A>C. VCF-style: chr4-47403601-A-C. GRCh37 (hg19) VCF-style: chr4-47405618-A-C.
Other names: short protein forms N242T.
Identifiers: ClinVar variation 4292361 (VCV004292361.1).

ClinVar aggregate classification (germline): Uncertain significance (1 of 4 stars; one submission).

Conditions:
Developmental and epileptic encephalopathy, 45 (DEE45). Also called: Epileptic encephalopathy, early infantile, 45. Identifiers: MedGen C4310691, MONDO:0014942, OMIM 617153.

Submission:

3billion
Classification: Uncertain significance for Developmental and epileptic encephalopathy, 45. Last evaluated: 2025-03-05. Review status: criteria provided, single submitter. Criteria: ACMG Guidelines, 2015. Collection method: clinical testing. Allele origin: germline. Affected: yes.
Comment: The variant is not observed in the gnomAD v4.1.0 dataset. Predicted Consequence/Location: Missense variant. Missense changes are a common disease-causing mechanism. In silico tool predictions suggest damaging effect of the variant on gene or gene product [REVEL: 0.73 (>=0.6, sensitivity 0.68 and specificity 0.92); 3Cnet: 0.93 (> 0.75, sensitivity 0.96 and precision 0.92)]. Therefore, this variant is classified as VUS according to the recommendation of ACMG/AMP guideline.